The following is an entry in ClinVar:

NM_001385.3(DPYS):c.131G>A (p.Gly44Asp)

Gene: DPYS (dihydropyrimidinase; minus strand). Cytogenetic location: 8q22.3.
Variant type: single nucleotide variant.
Coding change: c.131G>A on transcript NM_001385.3 (MANE Select); coding-DNA position 131, G replaced by A.
Protein change: p.Gly44Asp; replaces glycine 44 with aspartic acid.
Molecular consequence: missense variant.
Genome position (GRCh38, 1-based): chr8:104,466,790, C>T on the plus strand (G>A on the coding strand, the complement: DPYS is on the minus strand). VCF-style: chr8-104466790-C-T. GRCh37 (hg19) VCF-style: chr8-105479018-C-T.
Other names: short protein forms G44D.
Identifiers: ClinVar variation 2005189 (VCV002005189.4), dbSNP rs367711099, ClinGen allele CA371939302.

ClinVar aggregate classification (germline): Uncertain significance (1 of 4 stars; one submission).

gnomAD v4.1: 1 of 1,533,726 alleles (0.000065%); highest among the groups gnomAD compares: Admixed American, 0.002%; no homozygotes.

Submission:

Labcorp Genetics (formerly Invitae), Labcorp
Classification: Uncertain significance. Last evaluated: 2022-11-01. Review status: criteria provided, single submitter. Criteria: Invitae Variant Classification Sherloc (09022015). Collection method: clinical testing. Allele origin: germline.
Comment: The frequency data for this variant in the population databases is considered unreliable, as metrics indicate poor data quality at this position in the gnomAD database. In summary, the available evidence is currently insufficient to determine the role of this variant in disease. Therefore, it has been classified as a Variant of Uncertain Significance. Algorithms developed to predict the effect of missense changes on protein structure and function output the following: SIFT: "Tolerated"; PolyPhen-2: "Benign"; Align-GVGD: "Class C0". The aspartic acid amino acid residue is found in multiple mammalian species, which suggests that this missense change does not adversely affect protein function. This variant has not been reported in the literature in individuals affected with DPYS-related conditions. This sequence change replaces glycine, which is neutral and non-polar, with aspartic acid, which is acidic and polar, at codon 44 of the DPYS protein (p.Gly44Asp).